The following is an entry in ClinVar:

NM_002755.4(MAP2K1):c.770C>T (p.Ala257Val)

Gene: MAP2K1 (mitogen-activated protein kinase kinase 1; plus strand). Cytogenetic location: 15q22.31.
Variant type: single nucleotide variant.
Coding change: c.770C>T on transcript NM_002755.4 (MANE Select); coding-DNA position 770, C replaced by T.
Protein change: p.Ala257Val; replaces alanine 257 with valine.
Molecular consequence: missense variant.
Genome position (GRCh38, 1-based): chr15:66,485,066, C>T. VCF-style: chr15-66485066-C-T. GRCh37 (hg19) VCF-style: chr15-66777404-C-T.
Other names: short protein forms A257V.
Identifiers: ClinVar variation 1444858 (VCV001444858.9), dbSNP rs1334665647, ClinGen allele CA392937114.

ClinVar aggregate classification (germline): Uncertain significance (1 of 4 stars; one submission).

Conditions:
RASopathy. Also called: Noonan spectrum disorder; rasopathies. Identifiers: Orphanet 536391, MedGen C5555857, MONDO:0021060.

Allele frequency attached by ClinVar (database versions not stated): gnomAD exomes below 0.00001 and 0.00001.
gnomAD v4.1: 11 of 1,613,788 alleles (0.00068%); highest among the groups gnomAD compares: Admixed American, 0.0017%; no homozygotes.

Submissions (3):

Labcorp Genetics (formerly Invitae), Labcorp
Classification: Uncertain significance for RASopathy. Last evaluated: 2024-03-16. Review status: criteria provided, single submitter. Criteria: Invitae Variant Classification Sherloc (09022015). Collection method: clinical testing. Allele origin: germline.
Comment: This sequence change replaces alanine, which is neutral and non-polar, with valine, which is neutral and non-polar, at codon 257 of the MAP2K1 protein (p.Ala257Val). This variant is present in population databases (no rsID available, gnomAD 0.003%). This variant has not been reported in the literature in individuals affected with MAP2K1-related conditions. ClinVar contains an entry for this variant (Variation ID: 1444858). Advanced modeling of protein sequence and biophysical properties (such as structural, functional, and spatial information, amino acid conservation, physicochemical variation, residue mobility, and thermodynamic stability) performed at Invitae indicates that this missense variant is not expected to disrupt MAP2K1 protein function with a negative predictive value of 80%. In summary, the available evidence is currently insufficient to determine the role of this variant in disease. Therefore, it has been classified as a Variant of Uncertain Significance.

Dr. Peter K. Rogan Lab, Western University
No classification provided (evidence only). Condition: Ovarian serous cystadenocarcinoma. Review status: no classification provided. Collection method: in vitro. Allele origin: not applicable. Functional consequence: retained intron. Not counted in ClinVar's aggregate classification.

Dr. Peter K. Rogan Lab, Western University
No classification provided (evidence only). Condition: Malignant tumor of esophagus. Review status: no classification provided. Collection method: in vitro. Allele origin: not applicable. Functional consequence: skipped exon. Not counted in ClinVar's aggregate classification.